The following is an entry in ClinVar:

NM_017797.4(BTBD2):c.25C>T (p.Arg9Cys)

Gene: BTBD2 (BTB domain containing 2; minus strand). Cytogenetic location: 19p13.3.
Variant type: single nucleotide variant.
Coding change: c.25C>T on transcript NM_017797.4 (MANE Select); coding-DNA position 25, C replaced by T.
Protein change: p.Arg9Cys; replaces arginine 9 with cysteine.
Molecular consequence: missense variant.
Genome position (GRCh38, 1-based): chr19:2,015,679, G>A on the plus strand (C>T on the coding strand, the complement: BTBD2 is on the minus strand). VCF-style: chr19-2015679-G-A. GRCh37 (hg19) VCF-style: chr19-2015678-G-A.
Other names: short protein forms R9C.
Identifiers: ClinVar variation 3032698 (VCV003032698.2), dbSNP rs992604117, ClinGen allele CA304180709.

ClinVar aggregate classification (germline): Likely benign (0 of 4 stars; one submission).

Conditions:
BTBD2-related disorder. Also called: BTBD2-related condition.

Submission:

PreventionGenetics, part of Exact Sciences
Classification: Likely benign for BTBD2-related condition. Last evaluated: 2022-09-30. Review status: no assertion criteria provided. Collection method: clinical testing. Allele origin: germline.
Comment: This variant is classified as likely benign based on ACMG/AMP sequence variant interpretation guidelines (Richards et al. 2015 PMID: 25741868, with internal and published modifications).